The following is an entry in ClinVar:

ClinVar aggregate classification (germline): Likely benign. Review status: criteria provided, multiple submitters, no conflicts (2 of 4 stars). 2 submissions from 2 submitters: Likely benign (2). Last evaluated 2025-07-30.

Conditions:
Zellweger spectrum disorders (ZS). Also called: Zellweger Spectrum Disorder (ZSD); Zellweger Spectrum Disorder; Zellweger Spectrum; Zellweger syndrome. Identifiers: Orphanet 912, MedGen C0043459, MONDO:0019609.
PEX1-related disorder. Also called: PEX1-related condition.

gnomAD v4.1: 6 of 1,614,020 alleles (0.00037%); highest among the groups gnomAD compares: Admixed American, 0.0017%; no homozygotes.

Submissions (2):

Labcorp Genetics (formerly Invitae), Labcorp
Classification: Likely benign for Zellweger spectrum disorders. Last evaluated: 2025-07-30. Review status: criteria provided, single submitter. Criteria: Invitae Variant Classification Sherloc (09022015). Collection method: clinical testing. Allele origin: germline.

PreventionGenetics, part of Exact Sciences
Classification: Likely benign for PEX1-related condition. Last evaluated: 2025-04-24. Review status: criteria provided, single submitter. Criteria: ACMG Guidelines, 2015. Collection method: clinical testing. Allele origin: germline.
Comment: This variant is classified as likely benign based on ACMG/AMP sequence variant interpretation guidelines (Richards et al. 2015 PMID: 25741868, with internal and published modifications).

NM_000466.3(PEX1):c.252T>G (p.Leu84=)

Gene: PEX1 (peroxisomal biogenesis factor 1; minus strand). Cytogenetic location: 7q21.2.
Variant type: single nucleotide variant.
Coding change: c.252T>G on transcript NM_000466.3 (MANE Select); coding-DNA position 252, T replaced by G.
Protein change: p.Leu84=; no amino-acid change (leucine 84 retained).
Molecular consequence: synonymous variant. On other transcripts: 5 prime UTR variant (1).
Genome position (GRCh38, 1-based): chr7:92,522,123, A>C on the plus strand (T>G on the coding strand, the complement: PEX1 is on the minus strand). VCF-style: chr7-92522123-A-C. GRCh37 (hg19) VCF-style: chr7-92151437-A-C.
Other names: c.252T>G, p.Leu84= (NM_001282677.2); c.-408T>G (NM_001282678.2); c.252T>G (NM_000466.2).
Identifiers: ClinVar variation 1160782 (VCV001160782.10), dbSNP rs774698687, ClinGen allele CA456484077.